The following is an entry in ClinVar:

NM_000257.4(MYH7):c.3067G>A (p.Ala1023Thr)

Gene: MYH7 (myosin heavy chain 7; minus strand). Cytogenetic location: 14q11.2.
Variant type: single nucleotide variant.
Coding change: c.3067G>A on transcript NM_000257.4 (MANE Select); coding-DNA position 3067, G replaced by A.
Protein change: p.Ala1023Thr; replaces alanine 1023 with threonine.
Molecular consequence: missense variant.
Genome position (GRCh38, 1-based): chr14:23,423,579, C>T on the plus strand (G>A on the coding strand, the complement: MYH7 is on the minus strand). VCF-style: chr14-23423579-C-T. GRCh37 (hg19) VCF-style: chr14-23892788-C-T.
Other names: short protein forms A1023T.
Identifiers: ClinVar variation 2773940 (VCV002773940.3), dbSNP rs1595081240, ClinGen allele CA389045726.

ClinVar aggregate classification (germline): Uncertain significance. Review status: criteria provided, multiple submitters, no conflicts (2 of 4 stars). 2 submissions from 2 submitters: Uncertain significance (2). Last evaluated 2024-03-05.

Conditions:
Cardiomyopathy (CMYO). Also called: Cardiomyopathies. Identifiers: Orphanet 167848, MedGen C0878544, MONDO:0004994, HP:0001638. Inheritance: Various modes of inheritance.

Submissions (2):

Blueprint Genetics
Classification: Uncertain significance. Last evaluated: 2024-03-05. Review status: criteria provided, single submitter. Criteria: ACMG Guidelines, 2015. Collection method: clinical testing. Allele origin: germline.

Color Diagnostics, LLC DBA Color Health
Classification: Uncertain significance for Cardiomyopathy. Last evaluated: 2022-09-27. Review status: criteria provided, single submitter. Criteria: ACMG Guidelines, 2015. Collection method: clinical testing. Allele origin: germline.
Comment: This missense variant replaces alanine with threonine at codon 1023 of the MYH7 protein. Computational prediction suggests that this variant may not impact protein structure and function (internally defined REVEL score threshold <= 0.5, PMID: 27666373). To our knowledge, functional studies have not been reported for this variant. This variant has not been reported in individuals affected with cardiovascular disorders in the literature. This variant has not been identified in the general population by the Genome Aggregation Database (gnomAD). The available evidence is insufficient to determine the role of this variant in disease conclusively. Therefore, this variant is classified as a Variant of Uncertain Significance.